The following is an entry in ClinVar:

NM_000152.5(GAA):c.1833_1847delinsACGGGGTAT (p.His612_Asp616delinsArgGlyIle)

Gene: GAA (alpha glucosidase; plus strand). Cytogenetic location: 17q25.3.
Variant type: Indel.
Coding change: c.1833_1847delinsACGGGGTAT on transcript NM_000152.5 (MANE Select); coding-DNA positions 1833 to 1847, CCACTGGACGGGGGA replaced by ACGGGGTAT.
Protein change: p.His612_Asp616delinsArgGlyIle.
Molecular consequence: inframe indel.
Genome position (GRCh38, 1-based): chr17:80,112,656-80,112,670, CCACTGGACGGGGGA replaced by ACGGGGTAT. VCF-style: chr17-80112656-CCACTGGACGGGGGA-ACGGGGTAT. GRCh37 (hg19) VCF-style: chr17-78086455-CCACTGGACGGGGGA-ACGGGGTAT.
Other names: c.1833_1847delinsACGGGGTAT, p.His612_Asp616delinsArgGlyIle (NM_001079803.3, NM_001079804.3, NM_001406741.1 and 1 more transcripts).
Identifiers: ClinVar variation 4876552 (VCV004876552.1).

ClinVar aggregate classification (germline): Likely pathogenic (1 of 4 stars; one submission).

Conditions:
Glycogen storage disease, type II (IOPD). Also called: Pompe Disease; CARDIOMEGALIA GLYCOGENICA DIFFUSA; GLYCOGENOSIS, GENERALIZED, CARDIAC FORM; GSD II; POMPE DISEASE, INFANTILE-ONSET; GLYCOGEN STORAGE DISEASE II, INFANTILE-ONSET. Identifiers: Orphanet 365, MedGen C0017921, MONDO:0009290, OMIM 232300.

Submission:

Genomenon, Inc
Classification: Likely pathogenic for Glycogen storage disease, type II. Last evaluated: 2026-07-01. Review status: criteria provided, single submitter. Criteria: Genomenon Sequence Variant Interpretation Standards - Updated. Collection method: curation. Allele origin: germline. Affected: yes.
Comment: GAA p.His612_Asp616delinsArgGlyIle (c.1833_1847delinsACGGGGTAT) is an in-frame deletion-insertion variant resulting in the replacement of multiple amino acids, from Histidine at codon 612 to Aspartic acid at codon 616, with Arginine, Glycine and Isoleucine. This variant has been observed in at least one proband with a GAA-related disorder in the compound heterozygous and/or homozygous state (PMID:23620524;29422078;25052852;24158270;22081099;22990675). It is absent or not present at a significant frequency in gnomAD. In conclusion, we classify GAA p.His612_Asp616delinsArgGlyIle (c.1833_1847delinsACGGGGTAT) as a likely pathogenic variant.

Literature cited by the submitters: PubMed 23620524; PubMed 29422078; PubMed 25052852; PubMed 24158270; PubMed 22081099; PubMed 22990675.